The following is an entry in ClinVar:

NM_000138.5(FBN1):c.5035A>C (p.Met1679Leu)

Gene: FBN1 (fibrillin 1; minus strand). Cytogenetic location: 15q21.1.
Variant type: single nucleotide variant.
Coding change: c.5035A>C on transcript NM_000138.5 (MANE Select); coding-DNA position 5035, A replaced by C.
Protein change: p.Met1679Leu; replaces methionine 1679 with leucine.
Molecular consequence: missense variant.
Genome position (GRCh38, 1-based): chr15:48,463,929, T>G on the plus strand (A>C on the coding strand, the complement: FBN1 is on the minus strand). VCF-style: chr15-48463929-T-G. GRCh37 (hg19) VCF-style: chr15-48756126-T-G.
Other names: c.5035A>C, p.Met1679Leu (NM_001406716.1); short protein forms M1679L.
Identifiers: ClinVar variation 2946713 (VCV002946713.3), dbSNP rs759114752, ClinGen allele CA054138.
Genomic context (GRCh38, chr15:48,463,929, plus strand): 5'-CATGCATTACTGAGAAAAGCTTGGACTTACCCATGCAATTATTTCCCCCATTCACTTGCA[T>G]GTAGTCTGGAGGACAGATACAGGTGTAGTTGCCAACGGTGTTGTAACATGTCCCTGGACC-3'
Protein context (NP_000129.3, residues 1669-1689): NYTCICPPDY[Met1679Leu]QVNGGNNCMD

ClinVar aggregate classification (germline): Uncertain significance (1 of 4 stars; one submission).

Conditions:
Marfan syndrome (MFS). Also called: MARFAN SYNDROME, TYPE I; Marfan syndrome type 1; Marfan's syndrome; Marfan syndrome, classic; FBN1-Related Marfan Syndrome. Identifiers: Orphanet 284963, Orphanet 558, MedGen C0024796, MONDO:0007947, OMIM 154700.
Familial thoracic aortic aneurysm and aortic dissection (TAAD). Also called: Thoracic aortic aneurysms and dissections. Identifiers: Orphanet 91387, MedGen C4707243, MONDO:0019625.

Allele frequency attached by ClinVar (database versions not stated): TOPMed below 0.00001; ExAC 0.00003; gnomAD exomes 0.00001.

Submission:

Labcorp Genetics (formerly Invitae), Labcorp
Classification: Uncertain significance for Marfan syndrome; Familial thoracic aortic aneurysm and aortic dissection. Last evaluated: 2025-11-28. Review status: criteria provided, single submitter. Criteria: Invitae Variant Classification Sherloc (09022015). Collection method: clinical testing. Allele origin: germline.
Comment: This sequence change replaces methionine, which is neutral and non-polar, with leucine, which is neutral and non-polar, at codon 1679 of the FBN1 protein (p.Met1679Leu). This variant is present in population databases (rs759114752, gnomAD 0.01%). This variant has not been reported in the literature in individuals affected with FBN1-related conditions. ClinVar contains an entry for this variant (Variation ID: 2946713). Invitae Evidence Modeling of protein sequence and biophysical properties (such as structural, functional, and spatial information, amino acid conservation, physicochemical variation, residue mobility, and thermodynamic stability) has been performed for this missense variant. However, the output from this modeling did not meet the statistical confidence thresholds required to predict the impact of this variant on FBN1 protein function. In summary, the available evidence is currently insufficient to determine the role of this variant in disease. Therefore, it has been classified as a Variant of Uncertain Significance.